The following is an entry in ClinVar:

ClinVar aggregate classification (germline): Likely benign (1 of 4 stars; one submission).

gnomAD v4.1: 4,261 of 1,501,120 alleles (0.28%); highest among the groups gnomAD compares: Middle Eastern, 0.65%; 233 homozygotes.

Submission:

CeGaT Center for Human Genetics Tuebingen
Classification: Likely benign. Last evaluated: 2026-09-01. Review status: criteria provided, single submitter. Criteria: CeGaT Center For Human Genetics Tuebingen Variant Classification Criteria Version 2. Collection method: clinical testing. Allele origin: germline. Affected: yes. Observed: 1 variant allele.
Comment: FAM90A20: BS2

NM_001423532.1(FAM90A20):c.955A>G (p.Thr319Ala)

Gene: FAM90A20 (family with sequence similarity 90 member A20). Cytogenetic location: 8p23.1.
Variant type: single nucleotide variant.
Coding change: c.955A>G on transcript NM_001423532.1 (MANE Select); coding-DNA position 955, A replaced by G.
Protein change: p.Thr319Ala; replaces threonine 319 with alanine.
Molecular consequence: missense variant.
Genome position (GRCh38, 1-based): chr8:7,297,584, A>G. VCF-style: chr8-7297584-A-G. GRCh37 (hg19) VCF-style: chr8-7155106-A-G.
Other names: short protein forms T319A.
Identifiers: ClinVar variation 5038808 (VCV005038808.1).